The following is an entry in ClinVar:

ClinVar aggregate classification (germline): Uncertain significance. Review status: criteria provided, multiple submitters, no conflicts (2 of 4 stars). 2 submissions from 2 submitters: Uncertain significance (2). Last evaluated 2025-02-10.

Conditions:
Inborn genetic diseases. Identifiers: MedGen C0950123, MeSH D030342.

Allele frequency attached by ClinVar (database versions not stated): gnomAD exomes below 0.00001 and 0.00001; ExAC 0.00001; gnomAD 0.00003.
gnomAD v4.1: 27 of 1,614,094 alleles (0.0017%); highest among the groups gnomAD compares: African/African-American, 0.013%; no homozygotes.

Submissions (2):

Labcorp Genetics (formerly Invitae), Labcorp
Classification: Uncertain significance. Last evaluated: 2025-02-10. Review status: criteria provided, single submitter. Criteria: Invitae Variant Classification Sherloc (09022015). Collection method: clinical testing. Allele origin: germline.
Comment: This sequence change replaces glycine, which is neutral and non-polar, with alanine, which is neutral and non-polar, at codon 1416 of the DIP2C protein (p.Gly1416Ala). This variant is present in population databases (rs751088556, gnomAD 0.007%). This variant has not been reported in the literature in individuals affected with DIP2C-related conditions. ClinVar contains an entry for this variant (Variation ID: 1516968). An algorithm developed to predict the effect of missense changes on protein structure and function (PolyPhen-2) suggests that this variant is likely to be disruptive. In summary, the available evidence is currently insufficient to determine the role of this variant in disease. Therefore, it has been classified as a Variant of Uncertain Significance.

Ambry Genetics
Classification: Uncertain significance for Inborn genetic diseases. Last evaluated: 2025-01-17. Review status: criteria provided, single submitter. Criteria: Ambry Variant Classification Scheme 2023. Collection method: clinical testing. Allele origin: germline.

NM_014974.3(DIP2C):c.4247G>C (p.Gly1416Ala)

Gene: DIP2C (DIP2 acetate--CoA ligase C (putative); minus strand). Cytogenetic location: 10p15.3.
Variant type: single nucleotide variant.
Coding change: c.4247G>C on transcript NM_014974.3 (MANE Select); coding-DNA position 4247, G replaced by C.
Protein change: p.Gly1416Ala; replaces glycine 1416 with alanine.
Molecular consequence: missense variant.
Genome position (GRCh38, 1-based): chr10:283,319, C>G on the plus strand (G>C on the coding strand, the complement: DIP2C is on the minus strand). VCF-style: chr10-283319-C-G. GRCh37 (hg19) VCF-style: chr10-329259-C-G.
Other names: c.4247G>C (NM_014974.2); short protein forms G1416A.
Identifiers: ClinVar variation 1516968 (VCV001516968.7), dbSNP rs751088556, ClinGen allele CA5379500.
Genomic context (GRCh38, chr10:283,319, plus strand): 5'-CCTGGACTCTCACCTCCATTTGCATCTGTGAGCTCAGTTCTCCGCAGGAACCCCAAGTAG[C>G]CTGTGCGTGCCCAGATGGTCTGGGTGTCTCCAAAACTTAGTCTTGAGTTGAAGTGATCTG-3'
Protein context (NP_055789.1, residues 1406-1426): GDTQTIWART[Gly1416Ala]YLGFLRRTEL